The following is an entry in ClinVar:

ClinVar aggregate classification (germline): Uncertain significance (1 of 4 stars; one submission).

Conditions:
Tuberous sclerosis 1 (TSC1). Identifiers: Orphanet 805, MedGen C1854465, MONDO:0008612, OMIM 191100.

Submission:

Labcorp Genetics (formerly Invitae), Labcorp
Classification: Uncertain significance for Tuberous sclerosis 1. Last evaluated: 2019-07-09. Review status: criteria provided, single submitter. Criteria: Invitae Variant Classification Sherloc (09022015). Collection method: clinical testing. Allele origin: germline.
Comment: This sequence change replaces tyrosine with serine at codon 312 of the TSC1 protein (p.Tyr312Ser). The tyrosine residue is weakly conserved and there is a large physicochemical difference between tyrosine and serine. This variant is not present in population databases (ExAC no frequency). This variant has not been reported in the literature in individuals with TSC1-related conditions. Algorithms developed to predict the effect of missense changes on protein structure and function output the following: SIFT: "Tolerated"; PolyPhen-2: "Benign"; Align-GVGD: "Class C0". The serine amino acid residue is found in multiple mammalian species, suggesting that this missense change does not adversely affect protein function. These predictions have not been confirmed by published functional studies and their clinical significance is uncertain. In summary, the available evidence is currently insufficient to determine the role of this variant in disease. Therefore, it has been classified as a Variant of Uncertain Significance.

NM_000368.5(TSC1):c.935A>C (p.Tyr312Ser)

Gene: TSC1 (TSC complex subunit 1; minus strand). Cytogenetic location: 9q34.13.
Variant type: single nucleotide variant.
Coding change: c.935A>C on transcript NM_000368.5 (MANE Select); coding-DNA position 935, A replaced by C.
Protein change: p.Tyr312Ser; replaces tyrosine 312 with serine.
Molecular consequence: missense variant.
Genome position (GRCh38, 1-based): chr9:132,911,547, T>G on the plus strand (A>C on the coding strand, the complement: TSC1 is on the minus strand). VCF-style: chr9-132911547-T-G. GRCh37 (hg19) VCF-style: chr9-135786934-T-G.
Other names: c.935A>C, p.Tyr312Ser (NM_001162426.2); c.782A>C, p.Tyr261Ser (NM_001162427.2); c.572A>C, p.Tyr191Ser (NM_001362177.2); short protein forms Y261S, Y191S, Y312S.
Identifiers: ClinVar variation 961117 (VCV000961117.9), dbSNP rs1588324803, ClinGen allele CA375368722.